The following is an entry in ClinVar:

NM_182706.5(SCRIB):c.474C>T (p.Leu158=)

Gene: SCRIB (scribble planar cell polarity protein; minus strand). Cytogenetic location: 8q24.3.
Variant type: single nucleotide variant.
Coding change: c.474C>T on transcript NM_182706.5 (MANE Select); coding-DNA position 474, C replaced by T.
Protein change: p.Leu158=; no amino-acid change (leucine 158 retained).
Molecular consequence: synonymous variant.
Genome position (GRCh38, 1-based): chr8:143,813,499, G>A on the plus strand (C>T on the coding strand, the complement: SCRIB is on the minus strand). VCF-style: chr8-143813499-G-A. GRCh37 (hg19) VCF-style: chr8-144895669-G-A.
Other names: c.474C>T, p.Leu158= (NM_015356.5).
Identifiers: ClinVar variation 3059254 (VCV003059254.2), dbSNP rs56748182, ClinGen allele CA187613368.

ClinVar aggregate classification (germline): Benign (0 of 4 stars; one submission).

Conditions:
SCRIB-related disorder. Also called: SCRIB-related condition.

Allele frequency attached by ClinVar (database versions not stated): 1000 Genomes Project 0.04113; 1000 Genomes Project 30x 0.04232; TOPMed 0.05801; gnomAD 0.06426; ESP Exome Variant Server 0.06812; ExAC 0.07015; gnomAD exomes 0.07967.
gnomAD v4.1: 125,976 of 1,613,080 alleles (7.8%); highest among the groups gnomAD compares: Non-Finnish European, 8.7%; 5,536 homozygotes.

Submission:

PreventionGenetics, part of Exact Sciences
Classification: Benign for SCRIB-related condition. Last evaluated: 2019-11-26. Review status: no assertion criteria provided. Collection method: clinical testing. Allele origin: germline.
Comment: This variant is classified as benign based on ACMG/AMP sequence variant interpretation guidelines (Richards et al. 2015 PMID: 25741868, with internal and published modifications).